The following is an entry in ClinVar:

NM_000153.4(GALC):c.764C>A (p.Pro255His)

Gene: GALC (galactosylceramidase; minus strand). Cytogenetic location: 14q31.3.
Variant type: single nucleotide variant.
Coding change: c.764C>A on transcript NM_000153.4 (MANE Select); coding-DNA position 764, C replaced by A.
Protein change: p.Pro255His; replaces proline 255 with histidine.
Molecular consequence: missense variant.
Genome position (GRCh38, 1-based): chr14:87,968,479, G>T on the plus strand (C>A on the coding strand, the complement: GALC is on the minus strand). VCF-style: chr14-87968479-G-T. GRCh37 (hg19) VCF-style: chr14-88434823-G-T.
Other names: c.695C>A, p.Pro232His (NM_001201401.2); c.686C>A, p.Pro229His (NM_001201402.2); short protein forms P229H, P232H, P255H.
Identifiers: ClinVar variation 1478271 (VCV001478271.6), dbSNP rs1886148366, ClinGen allele CA390748227.
Genomic context (GRCh38, chr14:87,968,479, plus strand): 5'-TCTTCAGAAGACCAAAGCTTCTTCCCAGTCAACTTTGCATCTTTTGCTGAATGGGTTCCA[G>T]GATAATGAGCCCTAGAAAAAAAAAGGGTGGAAGTCAATGAAAAAAGGTCACGACGTGGCA-3'
Protein context (NP_000144.2, residues 245-265): KVVDVIGAHY[Pro255His]GTHSAKDAKL

ClinVar aggregate classification (germline): Likely pathogenic (1 of 4 stars; one submission).

Conditions:
Galactosylceramide beta-galactosidase deficiency. Also called: Krabbe Disease; Leukodystrophy, Globoid Cell; GALACTOCEREBROSIDASE DEFICIENCY; GALC DEFICIENCY; GLOBOID CELL LEUKOENCEPHALOPATHY. Identifiers: Orphanet 487, MedGen C0023521, MONDO:0009499, OMIM 245200.

Submission:

Labcorp Genetics (formerly Invitae), Labcorp
Classification: Likely pathogenic for Galactosylceramide beta-galactosidase deficiency. Last evaluated: 2021-06-26. Review status: criteria provided, single submitter. Criteria: Invitae Variant Classification Sherloc (09022015). Collection method: clinical testing. Allele origin: germline.
Comment: In summary, the currently available evidence indicates that the variant is pathogenic, but additional data are needed to prove that conclusively. Therefore, this variant has been classified as Likely Pathogenic. Advanced modeling of protein sequence and biophysical properties (such as structural, functional, and spatial information, amino acid conservation, physicochemical variation, residue mobility, and thermodynamic stability) performed at Invitae indicates that this missense variant is expected to disrupt GALC protein function. This variant has been observed in individual(s) with Krabbe disease (PMID: 30777126). This variant is also known as p.P239H. This variant is not present in population databases (ExAC no frequency). This sequence change replaces proline with histidine at codon 255 of the GALC protein (p.Pro255His). The proline residue is highly conserved and there is a moderate physicochemical difference between proline and histidine.

Literature cited by the submitters: PubMed 30777126.